The following is an entry in ClinVar:

ClinVar aggregate classification (germline): Conflicting classifications of pathogenicity. Review status: criteria provided, conflicting classifications (1 of 4 stars). 3 submissions from 3 submitters: Likely pathogenic (2); Uncertain significance (1). Last evaluated 2026-06-01.

Conditions:
Polycystic kidney disease, adult type (PKD1). Also called: Polycystic Kidney Disease 1, Autosomal Dominant; Polycystic kidney disease 1; Polycystic kidney disease 1, severe; Polycystic Kidney, Autosomal Dominant; POLYCYSTIC KIDNEY DISEASE 1 WITH OR WITHOUT POLYCYSTIC LIVER DISEASE; POLYCYSTIC KIDNEY DISEASE, ADULT, TYPE I. Identifiers: MedGen C3149841, MONDO:0008263, OMIM 173900.

Submissions (3):

Women's Health and Genetics/Laboratory Corporation of America, LabCorp
Classification: Uncertain significance. Last evaluated: 2026-06-01. Review status: criteria provided, single submitter. Criteria: LabCorp Variant Classification Summary - May 2015. Collection method: clinical testing. Allele origin: germline.
Comment: Variant summary: PKD1 c.529+3G>C alters a conserved nucleotide located close to a canonical splice site and therefore could affect mRNA splicing, leading to a significantly altered protein sequence. Several computational tools predict a significant impact on normal splicing: Three predict the variant weakens the canonical 5' donor site and one predicts the variant abolishes the 5' splicing donor site, whereas one predicts the variant has no significant impact on splicing. However, these predictions have yet to be confirmed by functional studies. The variant was absent in 73260 control chromosomes. c.529+3G>C has been observed in individuals affected with autosomal dominant polycystic kidney disease (Heyer_2016, Pandita_2019). These data indicate that the variant may be associated with disease. To our knowledge, no experimental evidence demonstrating an impact on protein function has been reported. The following publications have been ascertained in the context of this evaluation (PMID: 26823553, 30816285). ClinVar contains an entry for this variant (Variation ID: 3389449). Based on the evidence outlined above, the variant was classified as VUS-possibly pathogenic.

CeGaT Center for Human Genetics Tuebingen
Classification: Likely pathogenic. Last evaluated: 2025-02-01. Review status: criteria provided, single submitter. Criteria: CeGaT Center For Human Genetics Tuebingen Variant Classification Criteria Version 2. Collection method: clinical testing. Allele origin: germline. Affected: yes. Observed: 2 variant alleles.
Comment: PKD1: PM2, PS4:Moderate, PP1, PP4

Fulgent Genetics
Classification: Likely pathogenic for Polycystic kidney disease, adult type. Last evaluated: 2024-04-20. Review status: criteria provided, single submitter. Criteria: ACMG Guidelines, 2015. Collection method: clinical testing. Allele origin: germline.

Literature cited by the submitters: PubMed 26823553 (cited by Women's Health and Genetics/Laboratory Corporation of America, LabCorp); PubMed 30816285 (cited by Women's Health and Genetics/Laboratory Corporation of America, LabCorp).

NM_001009944.3(PKD1):c.529+3G>C

Gene: PKD1 (polycystin 1, transient receptor potential channel interacting; minus strand). Cytogenetic location: 16p13.3.
Variant type: single nucleotide variant.
Coding change: c.529+3G>C on transcript NM_001009944.3 (MANE Select); 3 bases into the intron after coding-DNA position 529, G replaced by C.
Molecular consequence: intron variant.
Genome position (GRCh38, 1-based): chr16:2,118,673, C>G on the plus strand (G>C on the coding strand, the complement: PKD1 is on the minus strand). VCF-style: chr16-2118673-C-G. GRCh37 (hg19) VCF-style: chr16-2168674-C-G.
Other names: c.529+3G>C (NM_000296.4).
Identifiers: ClinVar variation 3389449 (VCV003389449.16).